The following is an entry in ClinVar:

NM_005901.6(SMAD2):c.785-8T>G

Gene: SMAD2 (SMAD family member 2; minus strand). Cytogenetic location: 18q21.1.
Variant type: single nucleotide variant.
Coding change: c.785-8T>G on transcript NM_005901.6 (MANE Select); 8 bases into the intron before coding-DNA position 785, T replaced by G.
Molecular consequence: intron variant.
Genome position (GRCh38, 1-based): chr18:47,848,695, A>C on the plus strand (T>G on the coding strand, the complement: SMAD2 is on the minus strand). VCF-style: chr18-47848695-A-C. GRCh37 (hg19) VCF-style: chr18-45375066-A-C.
Other names: c.785-8T>G (NM_005901.5, NM_001003652.4); c.695-8T>G (NM_001135937.3).
Identifiers: ClinVar variation 1629157 (VCV001629157.10), dbSNP rs781487507, ClinGen allele CA8956126.

ClinVar aggregate classification (germline): Likely benign. Review status: criteria provided, single submitter (1 of 4 stars). 2 submissions from 2 submitters: Likely benign (1). 1 of the submissions does not count toward it. Last evaluated 2025-11-10.

Conditions:
SMAD2-related disorder. Also called: SMAD2-related condition; SMAD2-related disorders.

gnomAD v4.1: 77 of 1,585,436 alleles (0.0049%); highest among the groups gnomAD compares: Non-Finnish European, 0.0066%; no homozygotes.

Submissions (2):

Labcorp Genetics (formerly Invitae), Labcorp
Classification: Likely benign. Last evaluated: 2025-11-10. Review status: criteria provided, single submitter. Criteria: Invitae Variant Classification Sherloc (09022015). Collection method: clinical testing. Allele origin: germline.

PreventionGenetics, part of Exact Sciences
Classification: Likely benign for SMAD2-related condition. Last evaluated: 2019-03-05. Review status: no assertion criteria provided. Collection method: clinical testing. Allele origin: germline. Not counted in ClinVar's aggregate classification.
Comment: This variant is classified as likely benign based on ACMG/AMP sequence variant interpretation guidelines (Richards et al. 2015 PMID: 25741868, with internal and published modifications).